The following is an entry in ClinVar:

NM_001130823.3(DNMT1):c.1883A>G (p.Asp628Gly)

Gene: DNMT1 (DNA methyltransferase 1; minus strand). Cytogenetic location: 19p13.2.
Variant type: single nucleotide variant.
Coding change: c.1883A>G on transcript NM_001130823.3 (MANE Select); coding-DNA position 1883, A replaced by G.
Protein change: p.Asp628Gly; replaces aspartic acid 628 with glycine.
Molecular consequence: missense variant.
Genome position (GRCh38, 1-based): chr19:10,154,429, T>C on the plus strand (A>G on the coding strand, the complement: DNMT1 is on the minus strand). VCF-style: chr19-10154429-T-C. GRCh37 (hg19) VCF-style: chr19-10265105-T-C.
Other names: c.1835A>G, p.Asp612Gly (NM_001318730.2, NM_001379.4); c.1520A>G, p.Asp507Gly (NM_001318731.2); short protein forms D628G, D507G, D612G.
Identifiers: ClinVar variation 2056259 (VCV002056259.4), dbSNP rs2513820766, ClinGen allele CA403933848.

ClinVar aggregate classification (germline): Uncertain significance (1 of 4 stars; one submission).

Conditions:
Hereditary sensory neuropathy-deafness-dementia syndrome. Also called: Hereditary Sensory and Autonomic Neuropathy Type 1E (HSAN1E); NEUROPATHY, HEREDITARY SENSORY, WITH HEARING LOSS AND DEMENTIA; Hereditary sensory neuropathy type IE; HSN IE. Identifiers: Orphanet 456318, MedGen C3279885, MONDO:0013584, OMIM 614116.

Submission:

Labcorp Genetics (formerly Invitae), Labcorp
Classification: Uncertain significance for Hereditary sensory neuropathy-deafness-dementia syndrome. Last evaluated: 2021-12-23. Review status: criteria provided, single submitter. Criteria: Invitae Variant Classification Sherloc (09022015). Collection method: clinical testing. Allele origin: germline.
Comment: This sequence change replaces aspartic acid, which is acidic and polar, with glycine, which is neutral and non-polar, at codon 628 of the DNMT1 protein (p.Asp628Gly). This variant is not present in population databases (gnomAD no frequency). This variant has not been reported in the literature in individuals affected with DNMT1-related conditions. Algorithms developed to predict the effect of missense changes on protein structure and function are either unavailable or do not agree on the potential impact of this missense change (SIFT: "Deleterious"; PolyPhen-2: "Benign"; Align-GVGD: "Class C0"). In summary, the available evidence is currently insufficient to determine the role of this variant in disease. Therefore, it has been classified as a Variant of Uncertain Significance.